The following is an entry in ClinVar:

NM_001080397.3(SLC45A1):c.1896G>A (p.Ser632=)

Gene: SLC45A1 (solute carrier family 45 member 1; plus strand). Cytogenetic location: 1p36.23.
Variant type: single nucleotide variant.
Coding change: c.1896G>A on transcript NM_001080397.3 (MANE Select); coding-DNA position 1896, G replaced by A.
Protein change: p.Ser632=; no amino-acid change (serine 632 retained).
Molecular consequence: synonymous variant.
Genome position (GRCh38, 1-based): chr1:8,339,614, G>A. VCF-style: chr1-8339614-G-A. GRCh37 (hg19) VCF-style: chr1-8399674-G-A.
Identifiers: ClinVar variation 767650 (VCV000767650.7), dbSNP rs61740586, ClinGen allele CA570553.
Genomic context (GRCh38, chr1:8,339,614, plus strand): 5'-CGCCTTCGGCCTGGGGACCGGGCTTGCCACCCTCTCCAGGAACCTCTACGTGGTCCTGTC[G>A]CTCTGCATAACCTACGGGATTTTATTTTCCACCCTGTGCACCTTGCCTTACTCGCTGCTC-3'
Protein context (NP_001073866.3, residues 622-642): TLSRNLYVVL[Ser632=]LCITYGILFS

ClinVar aggregate classification (germline): Benign. Review status: criteria provided, multiple submitters, no conflicts (2 of 4 stars). 3 submissions from 3 submitters: Benign (2). 1 of the submissions does not count toward it. Last evaluated 2019-12-31.

Conditions:
SLC45A1-related disorder. Also called: SLC45A1-related condition.

Allele frequency attached by ClinVar (database versions not stated): gnomAD exomes 0.00187 and 0.00493; ExAC 0.00574; gnomAD 0.01772 and 0.01892; ESP Exome Variant Server 0.01953; TOPMed 0.01997; 1000 Genomes Project 0.02077; 1000 Genomes Project 30x 0.02327.
gnomAD v4.1: 5,530 of 1,614,188 alleles (0.34%); highest among the groups gnomAD compares: African/African-American, 6.3%; 158 homozygotes.

Submissions (3):

Labcorp Genetics (formerly Invitae), Labcorp
Classification: Benign. Last evaluated: 2019-12-31. Review status: criteria provided, single submitter. Criteria: Invitae Variant Classification Sherloc (09022015). Collection method: clinical testing. Allele origin: germline.

Breakthrough Genomics
Classification: Benign. Review status: criteria provided, single submitter. Criteria: ACMG Guidelines, 2015. Collection method: not provided. Allele origin: germline. Inheritance: Autosomal recessive inheritance. Affected: yes.

PreventionGenetics, part of Exact Sciences
Classification: Benign for SLC45A1-related condition. Last evaluated: 2020-02-04. Review status: no assertion criteria provided. Collection method: clinical testing. Allele origin: germline. Not counted in ClinVar's aggregate classification.
Comment: This variant is classified as benign based on ACMG/AMP sequence variant interpretation guidelines (Richards et al. 2015 PMID: 25741868, with internal and published modifications).